The following is an entry in ClinVar:

ClinVar aggregate classification (germline): Uncertain significance (1 of 4 stars; one submission).

Conditions:
Ariboflavinosis. Identifiers: MedGen C5779638, MONDO:0004573, OMIM 615026.

Submission:

Labcorp Genetics (formerly Invitae), Labcorp
Classification: Uncertain significance for Vitamin B2 deficiency. Last evaluated: 2020-07-30. Review status: criteria provided, single submitter. Criteria: Invitae Variant Classification Sherloc (09022015). Collection method: clinical testing. Allele origin: germline.
Comment: Experimental studies and prediction algorithms are not available or were not evaluated, and the functional significance of this variant is currently unknown. This variant results in a copy number gain of the genomic region encompassing the full coding sequence of the SLC52A1 gene. The boundaries of this event are unknown as they extend beyond the assayed region for this gene and therefore may encompass additional genes. As the precise location of this event is unknown, it may be in tandem or it may be located elsewhere in the genome. This variant has not been reported in the literature in individuals with SLC52A1-related conditions. In summary, the available evidence is currently insufficient to determine the role of this variant in disease. Therefore, it has been classified as a Variant of Uncertain Significance.

NC_000017.10:g.(?_4936232)_(4937921_?)dup

Gene: SLC52A1 (solute carrier family 52 member 1; minus strand). Cytogenetic location: 17p13.2.
Variant type: Duplication.
Identifiers: ClinVar variation 1036556 (VCV001036556.3).